The following is an entry in ClinVar:

ClinVar aggregate classification (germline): Uncertain significance (1 of 4 stars; one submission).

Conditions:
Immunodeficiency, common variable, 10. Also called: IMMUNODEFICIENCY, COMMON VARIABLE, WITH CENTRAL ADRENAL INSUFFICIENCY; DEFICIT IN ANTERIOR PITUITARY FUNCTION AND VARIABLE IMMUNODEFICIENCY. Identifiers: MedGen C3809991, MONDO:0014260, OMIM 615577.

Submission:

Labcorp Genetics (formerly Invitae), Labcorp
Classification: Uncertain significance for Immunodeficiency, common variable, 10. Last evaluated: 2024-10-30. Review status: criteria provided, single submitter. Criteria: Invitae Variant Classification Sherloc (09022015). Collection method: clinical testing. Allele origin: germline.
Comment: This sequence change affects a donor splice site in intron 5 of the NFKB2 gene. It is expected to disrupt RNA splicing. Variants that disrupt the donor or acceptor splice site typically lead to a loss of protein function (PMID: 16199547), however the current clinical and genetic evidence is not sufficient to establish whether loss-of-function variants in NFKB2 cause disease. This variant is not present in population databases (gnomAD no frequency). This variant has not been reported in the literature in individuals affected with NFKB2-related conditions. Algorithms developed to predict the effect of sequence changes on RNA splicing suggest that this variant may disrupt the consensus splice site. In summary, the available evidence is currently insufficient to determine the role of this variant in disease. Therefore, it has been classified as a Variant of Uncertain Significance.

Literature cited by the submitters: PubMed 16199547.

NM_001322934.2(NFKB2):c.243+2T>G

Gene: NFKB2 (nuclear factor kappa B subunit 2; plus strand). Cytogenetic location: 10q24.32.
Variant type: single nucleotide variant.
Coding change: c.243+2T>G on transcript NM_001322934.2 (MANE Select); the canonical splice donor site of the intron after coding-DNA position 243, T replaced by G.
Molecular consequence: splice donor variant.
Genome position (GRCh38, 1-based): chr10:102,396,825, T>G. VCF-style: chr10-102396825-T-G. GRCh37 (hg19) VCF-style: chr10-104156582-T-G.
Other names: c.243+2T>G (NM_001288724.1, NM_001322935.1, NM_001077494.3 and 2 more transcripts).
Identifiers: ClinVar variation 3724115 (VCV003724115.2).